The following is an entry in ClinVar:

NM_001366385.1(CARD14):c.2330A>G (p.Asp777Gly)

Genes: SGSH (N-sulfoglucosamine sulfohydrolase; minus strand), CARD14 (caspase recruitment domain family member 14; plus strand). Cytogenetic location: 17q25.3.
Variant type: single nucleotide variant.
Coding change: c.2330A>G on transcript NM_001366385.1 (MANE Select); coding-DNA position 2330, A replaced by G.
Protein change: p.Asp777Gly; replaces aspartic acid 777 with glycine.
Molecular consequence: missense variant. On other transcripts: non-coding transcript variant (1).
Genome position (GRCh38, 1-based): chr17:80,204,273, A>G. VCF-style: chr17-80204273-A-G. GRCh37 (hg19) VCF-style: chr17-78178072-A-G.
Other names: c.2330A>G, p.Asp777Gly (NM_024110.4); short protein forms D777G.
Identifiers: ClinVar variation 652946 (VCV000652946.7), dbSNP rs1598706931, ClinGen allele CA401355469.

ClinVar aggregate classification (germline): Uncertain significance (1 of 4 stars; one submission).

Conditions:
Pityriasis rubra pilaris (PRP). Also called: Pityriasis rubra pilaris--familial type. Identifiers: Orphanet 2897, MedGen C0032027, MONDO:0100017, OMIM 173200, MONDO:0008251.
Psoriasis 2. Identifiers: MedGen C1864497, MONDO:0011269, OMIM 602723.

Allele frequency attached by ClinVar (database versions not stated): gnomAD exomes 0.00001; TOPMed 0.00001.
gnomAD v4.1: 20 of 1,601,656 alleles (0.0012%); highest among the groups gnomAD compares: Non-Finnish European, 0.0017%; no homozygotes.

Submission:

Labcorp Genetics (formerly Invitae), Labcorp
Classification: Uncertain significance for Pityriasis rubra pilaris; Psoriasis 2. Last evaluated: 2023-04-10. Review status: criteria provided, single submitter. Criteria: Invitae Variant Classification Sherloc (09022015). Collection method: clinical testing. Allele origin: germline.
Comment: This variant has not been reported in the literature in individuals affected with CARD14-related conditions. In summary, the available evidence is currently insufficient to determine the role of this variant in disease. Therefore, it has been classified as a Variant of Uncertain Significance. Advanced modeling of protein sequence and biophysical properties (such as structural, functional, and spatial information, amino acid conservation, physicochemical variation, residue mobility, and thermodynamic stability) performed at Invitae indicates that this missense variant is not expected to disrupt CARD14 protein function. ClinVar contains an entry for this variant (Variation ID: 652946). This variant is not present in population databases (gnomAD no frequency). This sequence change replaces aspartic acid, which is acidic and polar, with glycine, which is neutral and non-polar, at codon 777 of the CARD14 protein (p.Asp777Gly).